The following is an entry in ClinVar:

ClinVar aggregate classification (germline): Uncertain significance (1 of 4 stars; one submission).

Submission:

Institute for Clinical Genetics, University Hospital TU Dresden, University Hospital TU Dresden
Classification: Uncertain significance. Last evaluated: 2021-12-29. Review status: criteria provided, single submitter. Criteria: ACMG Guidelines, 2015. Collection method: clinical testing. Allele origin: maternal.
Comment: PM2_SUP

NM_002661.5(PLCG2):c.289A>G (p.Thr97Ala)

Gene: PLCG2 (phospholipase C gamma 2; plus strand). Cytogenetic location: 16q23.3.
Variant type: single nucleotide variant.
Coding change: c.289A>G on transcript NM_002661.5 (MANE Select); coding-DNA position 289, A replaced by G.
Protein change: p.Thr97Ala; replaces threonine 97 with alanine.
Molecular consequence: missense variant.
Genome position (GRCh38, 1-based): chr16:81,854,539, A>G. VCF-style: chr16-81854539-A-G. GRCh37 (hg19) VCF-style: chr16-81888144-A-G.
Other names: short protein forms T97A.
Identifiers: ClinVar variation 2576191 (VCV002576191.1), dbSNP rs1343378480, ClinGen allele CA396900655.